The following is an entry in ClinVar:

ClinVar aggregate classification (germline): Pathogenic (1 of 4 stars; one submission).

Conditions:
Hermansky-Pudlak syndrome 3 (HPS3). Identifiers: Orphanet 231512, Orphanet 79430, MedGen C3888001, MONDO:0013555, OMIM 614072.

Submission:

Myriad Genetics, Inc.
Classification: Pathogenic for Hermansky-Pudlak syndrome 3. Last evaluated: 2025-02-07. Review status: criteria provided, single submitter. Criteria: Myriad Autosomal Dominant, Autosomal Recessive and X-Linked Classification Criteria (2023). Collection method: clinical testing. Allele origin: unknown.
Comment: NM_032383.3(HPS3):c.1288C>T(Q430*) is expected to be pathogenic in the context of Hermansky-Pudlak syndrome, HPS3-related. This variant is predicted to lead to an abnormal or absent protein product due to the creation of a premature termination codon in HPS3, a gene where loss-of-function variants are known to be pathogenic. Please note: this variant was assessed in the context of healthy population screening.

NM_032383.5(HPS3):c.1288C>T (p.Gln430Ter)

Gene: HPS3 (HPS3 biogenesis of lysosomal organelles complex 2 subunit 1; plus strand). Cytogenetic location: 3q24.
Variant type: single nucleotide variant.
Coding change: c.1288C>T on transcript NM_032383.5 (MANE Select); coding-DNA position 1288, C replaced by T.
Protein change: p.Gln430Ter; replaces glutamine 430 with a stop codon.
Molecular consequence: nonsense.
Genome position (GRCh38, 1-based): chr3:149,153,536, C>T. VCF-style: chr3-149153536-C-T. GRCh37 (hg19) VCF-style: chr3-148871323-C-T.
Other names: c.793C>T, p.Gln265Ter (NM_001308258.2); short protein forms Q265*, Q430*.
Identifiers: ClinVar variation 5014069 (VCV005014069.1).
Genomic context (GRCh38, chr3:149,153,536, plus strand): 5'-GTGATTTTCCTTTACTAGGCTTGCCCACCTGTCAGTATGGATGTCTGTGCTTTAAGAATA[C>T]AGCTTTTCATAGGCTTGAAAGCCATCTGTCACTTTAAAAACCACATCATACTTTTGACTA-3'